The following is an entry in ClinVar:

NM_000426.4(LAMA2):c.4757T>A (p.Leu1586Ter)

Gene: LAMA2 (laminin subunit alpha 2; plus strand). Cytogenetic location: 6q22.33.
Variant type: single nucleotide variant.
Coding change: c.4757T>A on transcript NM_000426.4 (MANE Select); coding-DNA position 4757, T replaced by A.
Protein change: p.Leu1586Ter; replaces leucine 1586 with a stop codon.
Molecular consequence: nonsense.
Genome position (GRCh38, 1-based): chr6:129,366,258, T>A. VCF-style: chr6-129366258-T-A. GRCh37 (hg19) VCF-style: chr6-129687403-T-A.
Other names: c.4757T>A, p.Leu1586Ter (NM_001079823.2); short protein forms L1586*.
Identifiers: ClinVar variation 1411028 (VCV001411028.6), dbSNP rs2114619908, ClinGen allele CA365622655.
Genomic context (GRCh38, chr6:129,366,258, plus strand): 5'-TTTGTCACTTCTCTTTCACAGTTTGTGGAGATGAGTGCACTGGCCTTCTTCTCGGTGACT[T>A]GGCTCGCCTGGAGCAGATGGTCATGAGCATCAACCTCACTGGTCCGCTGCCTGCGCCATA-3'

ClinVar aggregate classification (germline): Pathogenic (1 of 4 stars; one submission).

Conditions:
LAMA2-related muscular dystrophy (LAMA2-RD). Also called: Laminin alpha 2-related dystrophy. Identifiers: MedGen C5679788, MONDO:0100228.

Submission:

Labcorp Genetics (formerly Invitae), Labcorp
Classification: Pathogenic for LAMA2-related muscular dystrophy. Last evaluated: 2022-08-16. Review status: criteria provided, single submitter. Criteria: Invitae Variant Classification Sherloc (09022015). Collection method: clinical testing. Allele origin: germline.
Comment: For these reasons, this variant has been classified as Pathogenic. Algorithms developed to predict the effect of sequence changes on RNA splicing suggest that this variant may create or strengthen a splice site. ClinVar contains an entry for this variant (Variation ID: 1411028). This variant has not been reported in the literature in individuals affected with LAMA2-related conditions. This variant is not present in population databases (gnomAD no frequency). This sequence change creates a premature translational stop signal (p.Leu1586*) in the LAMA2 gene. It is expected to result in an absent or disrupted protein product. Loss-of-function variants in LAMA2 are known to be pathogenic (PMID: 18700894, 32904964).

Literature cited by the submitters: PubMed 18700894; PubMed 32904964.